The following is an entry in ClinVar:

NM_022168.4(IFIH1):c.2303A>G (p.Gln768Arg)

Gene: IFIH1 (interferon induced with helicase C domain 1; minus strand). Cytogenetic location: 2q24.2.
Variant type: single nucleotide variant.
Coding change: c.2303A>G on transcript NM_022168.4 (MANE Select); coding-DNA position 2303, A replaced by G.
Protein change: p.Gln768Arg; replaces glutamine 768 with arginine.
Molecular consequence: missense variant.
Genome position (GRCh38, 1-based): chr2:162,276,688, T>C on the plus strand (A>G on the coding strand, the complement: IFIH1 is on the minus strand). VCF-style: chr2-162276688-T-C. GRCh37 (hg19) VCF-style: chr2-163133198-T-C.
Other names: c.2303A>G, p.Gln768Arg (LRG_1235t1); short protein forms Q768R.
Identifiers: ClinVar variation 426133 (VCV000426133.3), dbSNP rs1085307464, ClinGen allele CA348996139.

ClinVar aggregate classification (germline): Uncertain significance (1 of 4 stars; one submission).

Submission:

GeneDx
Classification: Uncertain significance. Last evaluated: 2025-07-30. Review status: criteria provided, single submitter. Criteria: GeneDx Variant Classification Process June 2021. Collection method: clinical testing. Allele origin: germline. Affected: yes.
Comment: Not observed at significant frequency in large population cohorts (gnomAD); In silico analysis supports that this missense variant has a deleterious effect on protein structure/function; In silico analysis supports a deleterious effect on splicing; Has not been previously published as pathogenic or benign to our knowledge